The following is an entry in ClinVar:

NM_000334.4(SCN4A):c.5233C>T (p.Arg1745Cys)

Genes: GH-LCR (growth hormone locus control region; plus strand), SCN4A (sodium voltage-gated channel alpha subunit 4; minus strand). Cytogenetic location: 17q23.3.
Variant type: single nucleotide variant.
Coding change: c.5233C>T on transcript NM_000334.4 (MANE Select); coding-DNA position 5233, C replaced by T.
Protein change: p.Arg1745Cys; replaces arginine 1745 with cysteine.
Molecular consequence: missense variant.
Genome position (GRCh38, 1-based): chr17:63,941,049, G>A on the plus strand (C>T on the coding strand, the complement: SCN4A is on the minus strand). VCF-style: chr17-63941049-G-A. GRCh37 (hg19) VCF-style: chr17-62018409-G-A.
Other names: short protein forms R1745C.
Identifiers: ClinVar variation 1493025 (VCV001493025.11), dbSNP rs749841448, ClinGen allele CA8708807.
Genomic context (GRCh38, chr17:63,941,049, plus strand): 5'-CGTCATCCCCGCTGCCGTCGTGGCTGTGGCGGTACATGTAGGATGCCTGCTTCATGGAGC[G>A]CTGTAGCAGGTGCCGGCGGTAGGCCCTCTGGATCTTGATGGCGCACACCTCCTCGTGCTT-3'
Protein context (NP_000325.4, residues 1735-1755): QRAYRRHLLQ[Arg1745Cys]SMKQASYMYR

ClinVar aggregate classification (germline): Uncertain significance. Review status: criteria provided, multiple submitters, no conflicts (2 of 4 stars). 4 submissions from 4 submitters: Uncertain significance (4). Last evaluated 2026-03-11.

Conditions:
Paramyotonia congenita of Von Eulenburg. Also called: PARALYSIS PERIODICA PARAMYOTONICA; Paramyotonia Congenita; Eulenburg disease; Myotonia congenita intermittens; Von Eulenburg paramyotonia congenita. Identifiers: Orphanet 684, MedGen C0221055, MONDO:0008195, OMIM 168300. Disease mechanism: loss of function.
Congenital myopathy 22A, classic (CMYO22A). Identifiers: MedGen C5830453, MONDO:0957247, OMIM 620351.
Congenital myopathy 22B, severe fetal (CMYO22B). Identifiers: MedGen C5830501, MONDO:0957265, OMIM 620369.
Hypokalemic periodic paralysis, type 2 (HOKPP2). Identifiers: Orphanet 681, MedGen C2750061, MONDO:0013234, OMIM 613345.
Potassium-aggravated myotonia. Also called: MYOTONIA CONGENITA, ACETAZOLAMIDE-RESPONSIVE; MYOTONIA CONGENITA, ATYPICAL; SODIUM CHANNEL MUSCLE DISEASE; Myotonia congenita, atypical, acetazolamide-responsive. Identifiers: Orphanet 612, Orphanet 99734, Orphanet 99735, Orphanet 99736, MedGen C2931826, MONDO:0018959, OMIM 608390.
Congenital myasthenic syndrome 16. Identifiers: Orphanet 590, MedGen C3280112, MONDO:0013620, OMIM 614198.
Hyperkalemic periodic paralysis. Also called: Familial hyperkalemic periodic paralysis; Gamstorp disease. Identifiers: Orphanet 682, MedGen C0238357, MONDO:0008224, OMIM 170500, HP:0007215.
SCN4A-related disorder. Also called: SCN4A-related disorders.

Allele frequency attached by ClinVar (database versions not stated): gnomAD exomes 0.00004 and 0.00002; ExAC 0.00001.

Submissions (4):

PreventionGenetics, part of Exact Sciences
Classification: Uncertain significance for SCN4A-related condition. Last evaluated: 2026-03-11. Review status: criteria provided, single submitter. Criteria: ACMG Guidelines, 2015. Collection method: clinical testing. Allele origin: germline.
Comment: The SCN4A c.5233C>T variant is predicted to result in the amino acid substitution p.Arg1745Cys. To our knowledge, this variant has not been reported in the literature. This variant is reported in 0.017% of alleles in individuals of Latino descent in gnomAD. At this time, the clinical significance of this variant is uncertain due to the absence of conclusive functional and genetic evidence.

Labcorp Genetics (formerly Invitae), Labcorp
Classification: Uncertain significance for Hyperkalemic periodic paralysis. Last evaluated: 2025-12-16. Review status: criteria provided, single submitter. Criteria: Invitae Variant Classification Sherloc (09022015). Collection method: clinical testing. Allele origin: germline.
Comment: This sequence change replaces arginine, which is basic and polar, with cysteine, which is neutral and slightly polar, at codon 1745 of the SCN4A protein (p.Arg1745Cys). This variant is present in population databases (rs749841448, gnomAD 0.01%). This variant has not been reported in the literature in individuals affected with SCN4A-related conditions. ClinVar contains an entry for this variant (Variation ID: 1493025). Invitae Evidence Modeling of protein sequence and biophysical properties (such as structural, functional, and spatial information, amino acid conservation, physicochemical variation, residue mobility, and thermodynamic stability) indicates that this missense variant is not expected to disrupt SCN4A protein function with a negative predictive value of 95%. In summary, the available evidence is currently insufficient to determine the role of this variant in disease. Therefore, it has been classified as a Variant of Uncertain Significance.

Revvity Omics, Revvity
Classification: Uncertain significance. Last evaluated: 2024-07-17. Review status: criteria provided, single submitter. Criteria: ACMG Guidelines, 2015. Collection method: clinical testing. Allele origin: germline.

Fulgent Genetics
Classification: Uncertain significance for Paramyotonia congenita of Von Eulenburg; Hyperkalemic periodic paralysis; Potassium-aggravated myotonia; Hypokalemic periodic paralysis, type 2; Congenital myasthenic syndrome 16; Congenital myopathy 22A, classic; Congenital myopathy 22B, severe fetal. Last evaluated: 2024-04-20. Review status: criteria provided, single submitter. Criteria: ACMG Guidelines, 2015. Collection method: clinical testing. Allele origin: germline.